The following is an entry in ClinVar:

NM_003239.5(TGFB3):c.517-16T>C

Gene: TGFB3 (transforming growth factor beta 3; minus strand). Cytogenetic location: 14q24.3.
Variant type: single nucleotide variant.
Coding change: c.517-16T>C on transcript NM_003239.5 (MANE Select); 16 bases into the intron before coding-DNA position 517, T replaced by C.
Molecular consequence: intron variant.
Genome position (GRCh38, 1-based): chr14:75,971,271, A>G on the plus strand (T>C on the coding strand, the complement: TGFB3 is on the minus strand). VCF-style: chr14-75971271-A-G. GRCh37 (hg19) VCF-style: chr14-76437614-A-G.
Other names: c.517-16T>C (NM_001329939.2, NM_001329938.2).
Identifiers: ClinVar variation 391451 (VCV000391451.20), dbSNP rs3917176, ClinGen allele CA7280415.

ClinVar aggregate classification (germline): Benign/Likely benign. Review status: criteria provided, multiple submitters, no conflicts (2 of 4 stars). 4 submissions from 4 submitters: Benign (3); Likely benign (1). Last evaluated 2026-02-03.

Conditions:
Rienhoff syndrome. Also called: LOEYS-DIETZ SYNDROME 5. Identifiers: MedGen C3810012, MONDO:0014262, OMIM 615582.

Allele frequency attached by ClinVar (database versions not stated): gnomAD exomes 0.00032 and 0.00155; gnomAD 0.00050 and 0.00066; TOPMed 0.00081; ExAC 0.00135; 1000 Genomes Project 30x 0.00265; 1000 Genomes Project 0.00300.

Submissions (4):

Labcorp Genetics (formerly Invitae), Labcorp
Classification: Benign for Rienhoff syndrome. Last evaluated: 2026-02-03. Review status: criteria provided, single submitter. Criteria: Invitae Variant Classification Sherloc (09022015). Collection method: clinical testing. Allele origin: germline.

ARUP Laboratories, Molecular Genetics and Genomics, ARUP Laboratories
Classification: Benign. Last evaluated: 2024-04-25. Review status: criteria provided, single submitter. Criteria: ARUP Molecular Germline Variant Investigation Process 2024. Collection method: clinical testing. Allele origin: germline.

Women's Health and Genetics/Laboratory Corporation of America, LabCorp
Classification: Benign. Last evaluated: 2024-01-08. Review status: criteria provided, single submitter. Criteria: LabCorp Variant Classification Summary - May 2015. Collection method: clinical testing. Allele origin: germline.

GeneDx
Classification: Likely benign. Last evaluated: 2016-12-02. Review status: criteria provided, single submitter. Criteria: GeneDx Variant Classification (06012015). Collection method: clinical testing. Allele origin: germline. Affected: yes.
Comment: This variant is considered likely benign or benign based on one or more of the following criteria: it is a conservative change, it occurs at a poorly conserved position in the protein, it is predicted to be benign by multiple in silico algorithms, and/or has population frequency not consistent with disease.